The following is an entry in ClinVar:

ClinVar aggregate classification (germline): Uncertain significance (1 of 4 stars; one submission).

Conditions:
Ataxia-telangiectasia syndrome (AT). Also called: Ataxia-telangiectasia, complementation group D; AT, COMPLEMENTATION GROUP C; ATAXIA-TELANGIECTASIA, FRESNO VARIANT; ATAXIA-TELANGIECTASIA, COMPLEMENTATION GROUP A; Ataxia-telangiectasia, complementation group E; Ataxia telangiectasia (A-T). Identifiers: Orphanet 100, MedGen C0004135, MONDO:0008840, OMIM 208900.

Allele frequency attached by ClinVar (database versions not stated): TOPMed below 0.00001.

Submission:

Labcorp Genetics (formerly Invitae), Labcorp
Classification: Uncertain significance for Ataxia-telangiectasia syndrome. Last evaluated: 2022-03-07. Review status: criteria provided, single submitter. Criteria: Invitae Variant Classification Sherloc (09022015). Collection method: clinical testing. Allele origin: germline.
Comment: This variant is not present in population databases (gnomAD no frequency). This variant has not been reported in the literature in individuals affected with ATM-related conditions. ClinVar contains an entry for this variant (Variation ID: 999393). Algorithms developed to predict the effect of missense changes on protein structure and function output the following: SIFT: "Tolerated"; PolyPhen-2: "Benign"; Align-GVGD: "Class C0". The isoleucine amino acid residue is found in multiple mammalian species, which suggests that this missense change does not adversely affect protein function. In summary, the available evidence is currently insufficient to determine the role of this variant in disease. Therefore, it has been classified as a Variant of Uncertain Significance. This sequence change replaces valine, which is neutral and non-polar, with isoleucine, which is neutral and non-polar, at codon 356 of the ATM protein (p.Val356Ile).

NM_000051.4(ATM):c.1066G>A (p.Val356Ile)

Gene: ATM (ATM serine/threonine kinase; plus strand). Cytogenetic location: 11q22.3.
Variant type: single nucleotide variant.
Coding change: c.1066G>A on transcript NM_000051.4 (MANE Select); coding-DNA position 1066, G replaced by A.
Protein change: p.Val356Ile; replaces valine 356 with isoleucine.
Molecular consequence: missense variant.
Genome position (GRCh38, 1-based): chr11:108,248,933, G>A. VCF-style: chr11-108248933-G-A. GRCh37 (hg19) VCF-style: chr11-108119660-G-A.
Other names: c.1066G>A, p.Val356Ile (NM_001351834.2); short protein forms V356I.
Identifiers: ClinVar variation 999393 (VCV000999393.8), dbSNP rs2079987798, ClinGen allele CA382532309.
Genomic context (GRCh38, chr11:108,248,933, plus strand): 5'-AGCGAAACTCTGGCTCAAAAAAAAAAAAAAGAAAAAAGTGGATTTATTTTTATTTTACAG[G>A]TTTTTAATGAAGATACCAGATCCTTGGAGATTTCTCAATCTTACACTACTACACAAAGAG-3'
Protein context (NP_000042.3, residues 346-366): IELMADICHQ[Val356Ile]FNEDTRSLEI